The following is an entry in ClinVar:

ClinVar aggregate classification (germline): Likely benign. Review status: criteria provided, multiple submitters, no conflicts (2 of 4 stars). 2 submissions from 2 submitters: Likely benign (2). Last evaluated 2025-06-03.

Conditions:
Bethlem myopathy 1A. Also called: Bethlem myopathy 1; Bethlem Muscular Dystrophy; MYOPATHY, BENIGN CONGENITAL, WITH CONTRACTURES. Identifiers: Orphanet 610, MedGen CN029274, MONDO:0024530, OMIM 158810.

Allele frequency attached by ClinVar (database versions not stated): gnomAD exomes below 0.00001 and 0.00001; gnomAD 0.00001; ExAC 0.00002.
gnomAD v4.1: 6 of 1,612,602 alleles (0.00037%); highest among the groups gnomAD compares: South Asian, 0.0066%; no homozygotes.

Submissions (2):

Labcorp Genetics (formerly Invitae), Labcorp
Classification: Likely benign for Bethlem myopathy 1A. Last evaluated: 2025-06-03. Review status: criteria provided, single submitter. Criteria: Invitae Variant Classification Sherloc (09022015). Collection method: clinical testing. Allele origin: germline.

CeGaT Center for Human Genetics Tuebingen
Classification: Likely benign. Last evaluated: 2022-12-01. Review status: criteria provided, single submitter. Criteria: CeGaT Center For Human Genetics Tuebingen Variant Classification Criteria Version 2. Collection method: clinical testing. Allele origin: germline. Affected: yes. Observed: 1 variant allele.
Comment: COL6A2: BP4, BP7

NM_001849.4(COL6A2):c.1440T>C (p.Leu480=)

Gene: COL6A2 (collagen type VI alpha 2 chain; plus strand). Cytogenetic location: 21q22.3.
Variant type: single nucleotide variant.
Coding change: c.1440T>C on transcript NM_001849.4 (MANE Select); coding-DNA position 1440, T replaced by C.
Protein change: p.Leu480=; no amino-acid change (leucine 480 retained).
Molecular consequence: synonymous variant.
Genome position (GRCh38, 1-based): chr21:46,121,105, T>C. VCF-style: chr21-46121105-T-C. GRCh37 (hg19) VCF-style: chr21-47541019-T-C.
Other names: c.1440T>C, p.Leu480= (NM_058174.3, NM_058175.3).
Identifiers: ClinVar variation 1105089 (VCV001105089.33), dbSNP rs774677437, ClinGen allele CA10071874.
Genomic context (GRCh38, chr21:46,121,105, plus strand): 5'-CTCCCCTTTCTTCCAGGGAGACCGAGGCTTGCCTGGACCCAGAGGCCCCCAGGGAGCTCT[T>C]GGGGAGCCCGGAAAGCAGGTCAGTGTCAGTGCAGGAGGCCGGTGCCCTCTGACCCCACGG-3'
Protein context (NP_001840.3, residues 470-490): LPGPRGPQGA[Leu480=]GEPGKQGSRG